The following is an entry in ClinVar:

ClinVar aggregate classification (germline): Uncertain significance (1 of 4 stars; one submission).

Conditions:
Early-infantile DEE. Also called: Early infantile epileptic encephalopathy with suppression bursts; Ohtahara syndrome; Early infantile epileptic encephalopathy. Identifiers: Orphanet 1934, MedGen C0393706, MONDO:0800491.

Submission:

Labcorp Genetics (formerly Invitae), Labcorp
Classification: Uncertain significance for Early-infantile DEE. Last evaluated: 2024-09-30. Review status: criteria provided, single submitter. Criteria: Invitae Variant Classification Sherloc (09022015). Collection method: clinical testing. Allele origin: germline.
Comment: This sequence change replaces isoleucine, which is neutral and non-polar, with methionine, which is neutral and non-polar, at codon 278 of the SCN1A protein (p.Ile278Met). This variant is not present in population databases (gnomAD no frequency). This variant has not been reported in the literature in individuals affected with SCN1A-related conditions. Invitae Evidence Modeling of protein sequence and biophysical properties (such as structural, functional, and spatial information, amino acid conservation, physicochemical variation, residue mobility, and thermodynamic stability) indicates that this missense variant is not expected to disrupt SCN1A protein function with a negative predictive value of 95%. In summary, the available evidence is currently insufficient to determine the role of this variant in disease. Therefore, it has been classified as a Variant of Uncertain Significance.

NM_001165963.4(SCN1A):c.834A>G (p.Ile278Met)

Gene: SCN1A (sodium voltage-gated channel alpha subunit 1; minus strand). Cytogenetic location: 2q24.3.
Variant type: single nucleotide variant.
Coding change: c.834A>G on transcript NM_001165963.4 (MANE Select); coding-DNA position 834, A replaced by G.
Protein change: p.Ile278Met; replaces isoleucine 278 with methionine.
Molecular consequence: missense variant. On other transcripts: 5 prime UTR variant (1), non-coding transcript variant (1).
Genome position (GRCh38, 1-based): chr2:166,051,849, T>C on the plus strand (A>G on the coding strand, the complement: SCN1A is on the minus strand). VCF-style: chr2-166051849-T-C. GRCh37 (hg19) VCF-style: chr2-166908359-T-C.
Other names: c.834A>G, p.Ile278Met (NM_001165964.3, NM_001202435.3, NM_001353948.2 and 10 more transcripts); c.-1592A>G (NM_001353961.2); short protein forms I278M.
Identifiers: ClinVar variation 3003146 (VCV003003146.3), dbSNP rs2468222903, ClinGen allele CA349073068.